The following is an entry in ClinVar:

ClinVar aggregate classification (germline): Uncertain significance (1 of 4 stars; one submission).

Allele frequency attached by ClinVar (database versions not stated): TOPMed 0.00005; gnomAD 0.00002.
gnomAD v4.1: 15 of 1,550,902 alleles (0.00097%); highest among the groups gnomAD compares: Middle Eastern, 0.017%; no homozygotes.

Submission:

Labcorp Genetics (formerly Invitae), Labcorp
Classification: Uncertain significance. Last evaluated: 2025-06-12. Review status: criteria provided, single submitter. Criteria: Invitae Variant Classification Sherloc (09022015). Collection method: clinical testing. Allele origin: germline.
Comment: This sequence change replaces glycine, which is neutral and non-polar, with arginine, which is basic and polar, at codon 3 of the ABCG8 protein (p.Gly3Arg). This variant is not present in population databases (gnomAD no frequency). This variant has not been reported in the literature in individuals affected with ABCG8-related conditions. ClinVar contains an entry for this variant (Variation ID: 2742142). An algorithm developed to predict the effect of missense changes on protein structure and function (PolyPhen-2) suggests that this variant is likely to be tolerated. In summary, the available evidence is currently insufficient to determine the role of this variant in disease. Therefore, it has been classified as a Variant of Uncertain Significance.

NM_022437.3(ABCG8):c.7G>A (p.Gly3Arg)

Genes: ABCG5 (ATP binding cassette subfamily G member 5; minus strand), ABCG8 (ATP binding cassette subfamily G member 8; plus strand). Cytogenetic location: 2p21.
Variant type: single nucleotide variant.
Coding change: c.7G>A on transcript NM_022437.3 (MANE Select); coding-DNA position 7, G replaced by A.
Protein change: p.Gly3Arg; replaces glycine 3 with arginine.
Molecular consequence: missense variant.
Genome position (GRCh38, 1-based): chr2:43,839,060, G>A. VCF-style: chr2-43839060-G-A. GRCh37 (hg19) VCF-style: chr2-44066199-G-A.
Other names: c.7G>A, p.Gly3Arg (NM_001357321.2); short protein forms G3R.
Identifiers: ClinVar variation 2742142 (VCV002742142.2), dbSNP rs1009122651, ClinGen allele CA46426857.
Genomic context (GRCh38, chr2:43,839,060, plus strand): 5'-GCAGCAGCTGGGTCTAAGAGAGCTGCAGCCCAGGGTCACAGACCTGTGGGCCCCATGGCC[G>A]GGAAGGCGGCAGAGGAGAGAGGGCTGCCGAAAGGGGCCACTCCCCAGGATACCTCGGTGA-3'
Protein context (NP_071882.1, residues 1-13): MA[Gly3Arg]KAAEERGLPK